The following is an entry in ClinVar:

NM_000088.4(COL1A1):c.572del (p.Gly191fs)

Gene: COL1A1 (collagen type I alpha 1 chain; minus strand). Cytogenetic location: 17q21.33.
Variant type: Deletion.
Coding change: c.572del on transcript NM_000088.4 (MANE Select); coding-DNA position 572, one base deleted (G; older notation c.572delG).
Protein change: p.Gly191fs; shifts the reading frame from glycine 191.
Molecular consequence: frameshift variant.
Genome position (GRCh38, 1-based): chr17:50,198,177, C deleted on the plus strand (G on the coding strand, the reverse complement: COL1A1 is on the minus strand); the first of 2 consecutive C bases (chr17:50,198,177-50,198,178); deleting either gives the same sequence. VCF-style (leftmost placement, unchanged base first): chr17-50198176-GC-G. GRCh37 (hg19) VCF-style: chr17-48275537-GC-G.
Other names: c.572delG (NM_000088.3); short protein forms G191fs.
Identifiers: ClinVar variation 581473 (VCV000581473.7), dbSNP rs1567763447, ClinGen allele CA891843717.

ClinVar aggregate classification (germline): Pathogenic (1 of 4 stars; one submission).

Conditions:
Osteogenesis imperfecta type I (OI1). Also called: Osteogenesis imperfecta type 1; Classic Non-deforming Osteogenesis Imperfecta with Blue Sclerae; Lobstein's Disease; OI, TYPE I; OSTEOGENESIS IMPERFECTA TARDA; OSTEOGENESIS IMPERFECTA WITH BLUE SCLERAE. Identifiers: Orphanet 216796, Orphanet 666, MedGen C0023931, MONDO:0008146, OMIM 166200. Disease mechanism: loss of function.

Submission:

Labcorp Genetics (formerly Invitae), Labcorp
Classification: Pathogenic for Osteogenesis imperfecta type I. Last evaluated: 2021-03-22. Review status: criteria provided, single submitter. Criteria: Invitae Variant Classification Sherloc (09022015). Collection method: clinical testing. Allele origin: germline.
Comment: Loss-of-function variants in COL1A1 are known to be pathogenic (PMID: 7942841, 9295084, 9443882). For these reasons, this variant has been classified as Pathogenic. This variant has not been reported in the literature in individuals with COL1A1-related disease. This variant is not present in population databases (ExAC no frequency). This sequence change creates a premature translational stop signal (p.Gly191Alafs*74) in the COL1A1 gene. It is expected to result in an absent or disrupted protein product.

Literature cited by the submitters: PubMed 7942841; PubMed 9295084; PubMed 9443882.